The following is an entry in ClinVar:

NM_138393.4(REEP6):c.71C>T (p.Ala24Val)

Genes: REEP6 (receptor accessory protein 6; plus strand), LOC130062963 (ATAC-STARR-seq lymphoblastoid silent region 9724; plus strand). Cytogenetic location: 19p13.3.
Variant type: single nucleotide variant.
Coding change: c.71C>T on transcript NM_138393.4 (MANE Select); coding-DNA position 71, C replaced by T.
Protein change: p.Ala24Val; replaces alanine 24 with valine.
Molecular consequence: missense variant.
Genome position (GRCh38, 1-based): chr19:1,491,340, C>T. VCF-style: chr19-1491340-C-T. GRCh37 (hg19) VCF-style: chr19-1491339-C-T.
Other names: c.71C>T, p.Ala24Val (NM_001329556.3); short protein forms A24V.
Identifiers: ClinVar variation 958640 (VCV000958640.10), dbSNP rs1481171337, ClinGen allele CA403055844.

ClinVar aggregate classification (germline): Uncertain significance (1 of 4 stars; one submission).

Allele frequency attached by ClinVar (database versions not stated): gnomAD 0.00001.
gnomAD v4.1: 9 of 1,479,744 alleles (0.00061%); highest among the groups gnomAD compares: African/African-American, 0.0015%; no homozygotes.

Submission:

Labcorp Genetics (formerly Invitae), Labcorp
Classification: Uncertain significance. Last evaluated: 2024-02-24. Review status: criteria provided, single submitter. Criteria: Invitae Variant Classification Sherloc (09022015). Collection method: clinical testing. Allele origin: germline.
Comment: This sequence change replaces alanine, which is neutral and non-polar, with valine, which is neutral and non-polar, at codon 24 of the REEP6 protein (p.Ala24Val). This variant is not present in population databases (gnomAD no frequency). This variant has not been reported in the literature in individuals affected with REEP6-related conditions. ClinVar contains an entry for this variant (Variation ID: 958640). Experimental studies and prediction algorithms are not available or were not evaluated, and the functional significance of this variant is currently unknown. In summary, the available evidence is currently insufficient to determine the role of this variant in disease. Therefore, it has been classified as a Variant of Uncertain Significance.